The following is an entry in ClinVar:

ClinVar aggregate classification (germline): Uncertain significance (1 of 4 stars; one submission).

gnomAD v4.1: 1 of 1,614,176 alleles (0.000062%); highest among the groups gnomAD compares: Non-Finnish European, 0.000085%; no homozygotes.

Submission:

Labcorp Genetics (formerly Invitae), Labcorp
Classification: Uncertain significance. Last evaluated: 2020-04-09. Review status: criteria provided, single submitter. Criteria: Invitae Variant Classification Sherloc (09022015). Collection method: clinical testing. Allele origin: germline.
Comment: This variant has not been reported in the literature in individuals with SLC2A9-related conditions. This variant is not present in population databases (ExAC no frequency). This sequence change replaces asparagine with lysine at codon 462 of the SLC2A9 protein (p.Asn462Lys). The asparagine residue is moderately conserved and there is a moderate physicochemical difference between asparagine and lysine. In summary, the available evidence is currently insufficient to determine the role of this variant in disease. Therefore, it has been classified as a Variant of Uncertain Significance. Algorithms developed to predict the effect of sequence changes on RNA splicing suggest that this variant may create or strengthen a splice site, but this prediction has not been confirmed by published transcriptional studies. Algorithms developed to predict the effect of missense changes on protein structure and function are either unavailable or do not agree on the potential impact of this missense change (SIFT: "Deleterious"; PolyPhen-2: "Probably Damaging"; Align-GVGD: "Class C0").

NM_020041.3(SLC2A9):c.1386C>G (p.Asn462Lys)

Gene: SLC2A9 (solute carrier family 2 member 9; minus strand). Cytogenetic location: 4p16.1.
Variant type: single nucleotide variant.
Coding change: c.1386C>G on transcript NM_020041.3 (MANE Select); coding-DNA position 1386, C replaced by G.
Protein change: p.Asn462Lys; replaces asparagine 462 with lysine.
Molecular consequence: missense variant.
Genome position (GRCh38, 1-based): chr4:9,834,914, G>C on the plus strand (C>G on the coding strand, the complement: SLC2A9 is on the minus strand). VCF-style: chr4-9834914-G-C. GRCh37 (hg19) VCF-style: chr4-9836538-G-C.
Other names: c.1299C>G, p.Asn433Lys (NM_001001290.2); short protein forms N433K, N462K.
Identifiers: ClinVar variation 1016658 (VCV001016658.8), dbSNP rs1726778228, ClinGen allele CA356401190.
Genomic context (GRCh38, chr4:9,834,914, plus strand): 5'-GGGCAAAAGACTCCTTGTCAGTCATACCTGAATGAATGGGAAGAGGAGCCCAACAGCAAA[G>C]TTGGAGAGCCAGTTGACGGTGCCTGCAATGATGAAGGCAGCCGGCCGCTGAGATTGCTGG-3'
Protein context (NP_064425.2, residues 452-472): IIAGTVNWLS[Asn462Lys]FAVGLLFPFI